The following is an entry in ClinVar:

ClinVar aggregate classification (germline): Uncertain significance (1 of 4 stars; one submission).

Conditions:
Cardiovascular phenotype. Identifiers: MedGen CN230736.

gnomAD v4.1: 3 of 1,614,046 alleles (0.00019%); highest among the groups gnomAD compares: Non-Finnish European, 0.00025%; no homozygotes.

Submission:

Ambry Genetics
Classification: Uncertain significance for Cardiovascular phenotype. Last evaluated: 2025-04-05. Review status: criteria provided, single submitter. Criteria: Ambry Variant Classification Scheme 2023. Collection method: clinical testing. Allele origin: germline.
Comment: The p.D2695G variant (also known as c.8084A>G), located in coding exon 26 of the APOB gene, results from an A to G substitution at nucleotide position 8084. The aspartic acid at codon 2695 is replaced by glycine, an amino acid with similar properties. This amino acid position is conserved. In addition, this alteration is predicted to be tolerated by in silico analysis. Based on the available evidence, the clinical significance of this variant remains unclear.

NM_000384.3(APOB):c.8084A>G (p.Asp2695Gly)

Gene: APOB (apolipoprotein B; minus strand). Cytogenetic location: 2p24.1.
Variant type: single nucleotide variant.
Coding change: c.8084A>G on transcript NM_000384.3 (MANE Select); coding-DNA position 8084, A replaced by G.
Protein change: p.Asp2695Gly; replaces aspartic acid 2695 with glycine.
Molecular consequence: missense variant.
Genome position (GRCh38, 1-based): chr2:21,008,784, T>C on the plus strand (A>G on the coding strand, the complement: APOB is on the minus strand). VCF-style: chr2-21008784-T-C. GRCh37 (hg19) VCF-style: chr2-21231656-T-C.
Other names: short protein forms D2695G.
Identifiers: ClinVar variation 3932734 (VCV003932734.1).